The following is an entry in ClinVar:

NM_014244.5(ADAMTS2):c.8C>T (p.Pro3Leu)

Gene: ADAMTS2 (ADAM metallopeptidase with thrombospondin type 1 motif 2; minus strand). Cytogenetic location: 5q35.3.
Variant type: single nucleotide variant.
Coding change: c.8C>T on transcript NM_014244.5 (MANE Select); coding-DNA position 8, C replaced by T.
Protein change: p.Pro3Leu; replaces proline 3 with leucine.
Molecular consequence: missense variant.
Genome position (GRCh38, 1-based): chr5:179,345,321, G>A on the plus strand (C>T on the coding strand, the complement: ADAMTS2 is on the minus strand). VCF-style: chr5-179345321-G-A. GRCh37 (hg19) VCF-style: chr5-178772322-G-A.
Other names: c.8C>T, p.Pro3Leu (NM_021599.4); short protein forms P3L.
Identifiers: ClinVar variation 575972 (VCV000575972.7), dbSNP rs1407363425, ClinGen allele CA362624087.

ClinVar aggregate classification (germline): Conflicting classifications of pathogenicity. Review status: criteria provided, conflicting classifications (1 of 4 stars). 4 submissions from 4 submitters: Uncertain significance (1); Likely benign (2). 1 of the submissions does not count toward it. Last evaluated 2023-10-06.

Conditions:
Ehlers-Danlos syndrome, dermatosparaxis type. Also called: EDS VIIC; Dermatosparaxis; Ehlers-Danlos syndrome, type VII, autosomal recessive. Identifiers: Orphanet 1901, MedGen C2700425, MONDO:0009161, OMIM 225410.
Inborn genetic diseases. Identifiers: MedGen C0950123, MeSH D030342.

Allele frequency attached by ClinVar (database versions not stated): gnomAD 0.00003 and 0.00004; TOPMed 0.00006.
gnomAD v4.1: 18 of 1,135,022 alleles (0.0016%); highest among the groups gnomAD compares: East Asian, 0.049%; no homozygotes.

Submissions (4):

Blueprint Genetics
Classification: Likely benign. Last evaluated: 2023-10-06. Review status: criteria provided, single submitter. Criteria: ACMG Guidelines, 2015. Collection method: clinical testing. Allele origin: germline.

Ambry Genetics
Classification: Likely benign for Inborn genetic diseases. Last evaluated: 2022-10-03. Review status: criteria provided, single submitter. Criteria: Ambry Variant Classification Scheme 2023. Collection method: clinical testing. Allele origin: germline.

Labcorp Genetics (formerly Invitae), Labcorp
Classification: Uncertain significance for Ehlers-Danlos syndrome, dermatosparaxis type. Last evaluated: 2022-06-08. Review status: criteria provided, single submitter. Criteria: Invitae Variant Classification Sherloc (09022015). Collection method: clinical testing. Allele origin: germline.
Comment: This sequence change replaces proline, which is neutral and non-polar, with leucine, which is neutral and non-polar, at codon 3 of the ADAMTS2 protein (p.Pro3Leu). This variant is present in population databases (no rsID available, gnomAD 0.06%). This variant has not been reported in the literature in individuals affected with ADAMTS2-related conditions. ClinVar contains an entry for this variant (Variation ID: 575972). Algorithms developed to predict the effect of missense changes on protein structure and function are either unavailable or do not agree on the potential impact of this missense change (SIFT: "Tolerated"; PolyPhen-2: "Not Available"; Align-GVGD: "Class C0"). In summary, the available evidence is currently insufficient to determine the role of this variant in disease. Therefore, it has been classified as a Variant of Uncertain Significance.

Natera, Inc.
Classification: Uncertain significance for Ehlers-Danlos syndrome type VIIC. Last evaluated: 2020-09-16. Review status: no assertion criteria provided. Collection method: clinical testing. Allele origin: germline. Not counted in ClinVar's aggregate classification.